The following is an entry in ClinVar:

ClinVar aggregate classification (germline): Uncertain significance (1 of 4 stars; one submission).

Submission:

Ambry Genetics
Classification: Uncertain significance. Last evaluated: 2026-04-22. Review status: criteria provided, single submitter. Criteria: Ambry Variant Classification Scheme 2023. Collection method: clinical testing. Allele origin: germline.
Comment: The p.M12R variant (also known as c.35T>G), located in coding exon 1 of the PALLD gene, results from a T to G substitution at nucleotide position 35. The methionine at codon 12 is replaced by arginine, an amino acid with similar properties. This amino acid position is conserved. In addition, the in silico prediction for this alteration is inconclusive. Based on the available evidence, the clinical significance of this variant remains unclear.

NM_001166108.2(PALLD):c.1965-12996T>G

Gene: PALLD (palladin, cytoskeletal associated protein; plus strand). Cytogenetic location: 4q32.3.
Variant type: single nucleotide variant.
Coding change: c.1965-12996T>G on transcript NM_001166108.2 (MANE Select); 12996 bases into the intron before coding-DNA position 1965, T replaced by G.
Molecular consequence: intron variant. On other transcripts: missense variant (1).
Genome position (GRCh38, 1-based): chr4:168,877,926, T>G. VCF-style: chr4-168877926-T-G. GRCh37 (hg19) VCF-style: chr4-169799077-T-G.
Other names: c.35T>G, p.Met12Arg (NM_001166110.2); c.1965-12996T>G (NM_016081.4); c.819-12996T>G (NM_001166109.2); c.-157-12996T>G (NM_001367570.1, NM_001367568.1, NM_001367567.1 and 1 more transcripts); short protein forms M12R.
Identifiers: ClinVar variation 4861539 (VCV004861539.1).